The following is an entry in ClinVar:

NM_001437.3(ESR2):c.7A>G (p.Ile3Val)

Gene: ESR2 (estrogen receptor 2; minus strand). Cytogenetic location: 14q23.2.
Variant type: single nucleotide variant.
Coding change: c.7A>G on transcript NM_001437.3 (MANE Select); coding-DNA position 7, A replaced by G.
Protein change: p.Ile3Val; replaces isoleucine 3 with valine.
Molecular consequence: missense variant. On other transcripts: non-coding transcript variant (2).
Genome position (GRCh38, 1-based): chr14:64,282,979, T>C on the plus strand (A>G on the coding strand, the complement: ESR2 is on the minus strand). VCF-style: chr14-64282979-T-C. GRCh37 (hg19) VCF-style: chr14-64749697-T-C.
Other names: c.7A>G, p.Ile3Val (NM_001040275.1, NM_001214902.1, NM_001271876.1 and 3 more transcripts); short protein forms I3V.
Identifiers: ClinVar variation 728714 (VCV000728714.13), dbSNP rs111918185, ClinGen allele CA7225692.

ClinVar aggregate classification (germline): Benign/Likely benign. Review status: criteria provided, multiple submitters, no conflicts (2 of 4 stars). 3 submissions from 3 submitters: Benign (1); Likely benign (1). 1 of the submissions does not count toward it. Last evaluated 2025-12-30.

Conditions:
ESR2-related disorder. Also called: ESR2-related condition.

Allele frequency attached by ClinVar (database versions not stated): gnomAD exomes 0.00032 and 0.00098; ExAC 0.00138; gnomAD 0.00352 and 0.00366; TOPMed 0.00386; ESP Exome Variant Server 0.00469; 1000 Genomes Project 0.00539; 1000 Genomes Project 30x 0.00593.
gnomAD v4.1: 1,035 of 1,611,198 alleles (0.064%); highest among the groups gnomAD compares: African/African-American, 1.2%; 11 homozygotes.

Submissions (4):

Labcorp Genetics (formerly Invitae), Labcorp
Classification: Benign. Last evaluated: 2025-12-30. Review status: criteria provided, single submitter. Criteria: Invitae Variant Classification Sherloc (09022015). Collection method: clinical testing. Allele origin: germline.

Blueprint Genetics
Classification: Likely benign. Last evaluated: 2024-11-12. Review status: criteria provided, single submitter. Criteria: ACMG Guidelines, 2015. Collection method: clinical testing. Allele origin: germline.

PreventionGenetics, part of Exact Sciences
Classification: Benign for ESR2-related condition. Last evaluated: 2019-04-05. Review status: no assertion criteria provided. Collection method: clinical testing. Allele origin: germline. Not counted in ClinVar's aggregate classification.
Comment: This variant is classified as benign based on ACMG/AMP sequence variant interpretation guidelines (Richards et al. 2015 PMID: 25741868, with internal and published modifications).

Dr. Peter K. Rogan Lab, Western University
No classification provided (evidence only). Condition: Familial cancer of breast. Review status: no classification provided. Collection method: in vitro. Allele origin: not applicable. Functional consequence: retained intron. Not counted in ClinVar's aggregate classification.